The following is an entry in ClinVar:

ClinVar aggregate classification (germline): Uncertain significance (1 of 4 stars; one submission).

Conditions:
Fabry disease. Also called: ALPHA-GALACTOSIDASE A DEFICIENCY; ANDERSON-FABRY DISEASE; CERAMIDE TRIHEXOSIDASE DEFICIENCY; GLA DEFICIENCY; HEREDITARY DYSTOPIC LIPIDOSIS; Angiokeratoma corporis diffusum. Identifiers: Orphanet 324, MedGen C0002986, MONDO:0010526, OMIM 301500, HP:0001071. Disease mechanism: Fabry disease is due to inactivating mutations in the X-linked GLA gene resulting in deficiency of the enzyme Alpha Galactosidase-A., loss of function.

Submission:

Genomenon, Inc
Classification: Uncertain significance for Fabry disease. Last evaluated: 2026-09-08. Review status: criteria provided, single submitter. Criteria: Genomenon Sequence Variant Interpretation Standards - Updated. Collection method: curation. Allele origin: germline. Affected: no.
Comment: GLA p.Ser364del (c.1091_1093del) is an in-frame deletion that results in the loss of Serine at codon 364. This variant has been reported in the published literature (PMID:38638148). It is absent or not present at a significant frequency in gnomAD. In conclusion, we classify GLA p.Ser364del (c.1091_1093del) as a variant of uncertain significance.

Literature cited by the submitters: PubMed 38638148.

NM_000169.3(GLA):c.1091_1093del (p.Ser364del)

Genes: GLA (galactosidase alpha; minus strand), RPL36A-HNRNPH2 (RPL36A-HNRNPH2 readthrough; plus strand). Cytogenetic location: Xq22.1.
Variant type: Deletion.
Coding change: c.1091_1093del on transcript NM_000169.3 (MANE Select); coding-DNA positions 1091 to 1093, 3 bases deleted (CTT; older notation c.1091_1093delCTT).
Protein change: p.Ser364del; deletes serine 364.
Molecular consequence: inframe deletion. On other transcripts: non-coding transcript variant (3), intron variant (2).
Genome position (GRCh38, 1-based): chrX:101,398,006-101,398,008, AAG deleted on the plus strand (CTT on the coding strand, the reverse complement: GLA is on the minus strand); deleting any 3 consecutive bases within chrX:101,398,006-101,398,009 gives the same sequence; the c. name uses the placement nearest the transcript's 3' end. VCF-style (leftmost placement, unchanged base first): chrX-101398005-TAAG-T. GRCh37 (hg19) VCF-style: chrX-100652993-TAAG-T.
Other names: c.1214_1216del, p.Ser405del (NM_001406747.1); c.300+2550_300+2552del (NM_001199973.2); c.177+6185_177+6187del (NM_001199974.2); short protein forms S364del, S405del.
Identifiers: ClinVar variation 4087179 (VCV004087179.2).